The following is an entry in ClinVar:

NM_181552.4(CUX1):c.2035A>G (p.Lys679Glu)

Gene: CUX1 (cut like homeobox 1; plus strand). Cytogenetic location: 7q22.1.
Variant type: single nucleotide variant.
Coding change: c.2035A>G on transcript NM_181552.4 (MANE Select); coding-DNA position 2035, A replaced by G.
Protein change: p.Lys679Glu; replaces lysine 679 with glutamic acid.
Molecular consequence: missense variant. On other transcripts: intron variant (5).
Genome position (GRCh38, 1-based): chr7:102,200,145, A>G. VCF-style: chr7-102200145-A-G. GRCh37 (hg19) VCF-style: chr7-101843425-A-G.
Other names: c.2068A>G, p.Lys690Glu (NM_001202543.2); c.1255+4542A>G (NM_001913.5); c.1249+4542A>G (NM_181500.4); c.1117+4542A>G (NM_001202545.3); c.1207+4542A>G (NM_001202544.3); c.1138+4542A>G (NM_001202546.3); short protein forms K679E, K690E.
Identifiers: ClinVar variation 4527665 (VCV004527665.1).

ClinVar aggregate classification (germline): Uncertain significance (1 of 4 stars; one submission).

Submission:

GeneDx
Classification: Uncertain significance. Last evaluated: 2025-05-02. Review status: criteria provided, single submitter. Criteria: GeneDx Variant Classification Process June 2021. Collection method: clinical testing. Allele origin: germline. Affected: yes.
Comment: Not observed at significant frequency in large population cohorts (gnomAD); In silico analysis supports that this missense variant has a deleterious effect on protein structure/function; Has not been previously published as pathogenic or benign to our knowledge